The following is an entry in ClinVar:

ClinVar aggregate classification (germline): Conflicting classifications of pathogenicity. Review status: criteria provided, conflicting classifications (1 of 4 stars). 4 submissions from 4 submitters: Uncertain significance (2); Likely benign (2). Last evaluated 2025-04-22.

Conditions:
Inborn genetic diseases. Identifiers: MedGen C0950123, MeSH D030342.
Autosomal recessive spinocerebellar ataxia 10. Identifiers: Orphanet 284289, MedGen C3150998, MONDO:0013392, OMIM 613728.

Allele frequency attached by ClinVar (database versions not stated): 1000 Genomes Project 30x 0.00016; gnomAD 0.00017 and 0.00019; gnomAD exomes 0.00018 and 0.00026; TOPMed 0.00018; 1000 Genomes Project 0.00020; ExAC 0.00021; ESP Exome Variant Server 0.00023.
gnomAD v4.1: 400 of 1,614,000 alleles (0.025%); highest among the groups gnomAD compares: Non-Finnish European, 0.03%; no homozygotes.

Submissions (4):

Athena Diagnostics
Classification: Uncertain significance. Last evaluated: 2025-04-22. Review status: criteria provided, single submitter. Criteria: Athena Diagnostics Criteria. Collection method: clinical testing. Allele origin: unknown.
Comment: Available data are insufficient to determine the clinical significance of the variant at this time. The frequency of this variant in the general population is uninformative in assessment of its pathogenicity. This variant has been identified in at least one individual with clinical features associated with this gene. Assessment of experimental evidence regarding the effect of this variant on protein function is inconclusive (PMID: 36698452).

Blueprint Genetics
Classification: Likely benign. Last evaluated: 2024-11-20. Review status: criteria provided, single submitter. Criteria: ACMG Guidelines, 2015. Collection method: clinical testing. Allele origin: germline.

Ambry Genetics
Classification: Likely benign for Inborn genetic diseases. Last evaluated: 2023-05-16. Review status: criteria provided, single submitter. Criteria: Ambry Variant Classification Scheme 2023. Collection method: clinical testing. Allele origin: germline.

Illumina Laboratory Services, Illumina
Classification: Uncertain significance for Autosomal recessive spinocerebellar ataxia 10. Last evaluated: 2018-01-13. Review status: criteria provided, single submitter. Criteria: ICSL Variant Classification Criteria 13 December 2019. Collection method: clinical testing. Allele origin: germline.

Literature cited by the submitters: PubMed 36698452 (cited by Athena Diagnostics).

NM_018075.5(ANO10):c.1864A>G (p.Met622Val)

Gene: ANO10 (anoctamin 10; minus strand). Cytogenetic location: 3p22.1.
Variant type: single nucleotide variant.
Coding change: c.1864A>G on transcript NM_018075.5 (MANE Select); coding-DNA position 1864, A replaced by G.
Protein change: p.Met622Val; replaces methionine 622 with valine.
Molecular consequence: missense variant. On other transcripts: intron variant (3).
Genome position (GRCh38, 1-based): chr3:43,432,661, T>C on the plus strand (A>G on the coding strand, the complement: ANO10 is on the minus strand). VCF-style: chr3-43432661-T-C. GRCh37 (hg19) VCF-style: chr3-43474153-T-C.
Other names: c.1666A>G, p.Met556Val (NM_001204832.3, NM_001346466.2, NM_001346469.2); c.1531A>G, p.Met511Val (NM_001204833.3); c.1294A>G, p.Met432Val (NM_001204834.3); c.1981A>G, p.Met661Val (NM_001346464.2, NM_001346467.2); c.1864A>G, p.Met622Val (NM_001346468.2); c.1798-65687A>G (NM_001346465.2); c.1798-59814A>G (NM_001204831.3); c.1915-65687A>G (NM_001346463.2); short protein forms M622V, M432V, M511V, M556V, M661V.
Identifiers: ClinVar variation 345175 (VCV000345175.11), dbSNP rs141806947, ClinGen allele CA2340646.
Genomic context (GRCh38, chr3:43,432,661, plus strand): 5'-CTGCTCTCACCTGCTGCTTGAGTGCCTCCAAAGACTCAAATTCCAGTCTGGCTAGTTTCA[T>C]CTGGATATGCCGTGGCTTATCAGGTATGGCAAATGCAAGTATAAACTTTAAAGCCAGGAG-3'
Protein context (NP_060545.3, residues 612-632): AIPDKPRHIQ[Met622Val]KLARLEFESL